The following is an entry in ClinVar:

NM_001127496.3(SPRY4):c.203G>A (p.Arg68Gln)

Gene: SPRY4 (sprouty RTK signaling antagonist 4; minus strand). Cytogenetic location: 5q31.3.
Variant type: single nucleotide variant.
Coding change: c.203G>A on transcript NM_001127496.3 (MANE Select); coding-DNA position 203, G replaced by A.
Protein change: p.Arg68Gln; replaces arginine 68 with glutamine.
Molecular consequence: missense variant.
Genome position (GRCh38, 1-based): chr5:142,314,906, C>T on the plus strand (G>A on the coding strand, the complement: SPRY4 is on the minus strand). VCF-style: chr5-142314906-C-T. GRCh37 (hg19) VCF-style: chr5-141694471-C-T.
Other names: c.203G>A, p.Arg68Gln (NM_001293289.3, NM_001293290.3); c.272G>A, p.Arg91Gln (NM_030964.5); short protein forms R68Q, R91Q.
Identifiers: ClinVar variation 2407115 (VCV002407115.5), dbSNP rs762784800, ClinGen allele CA3485603.

ClinVar aggregate classification (germline): Uncertain significance. Review status: criteria provided, multiple submitters, no conflicts (2 of 4 stars). 2 submissions from 2 submitters: Uncertain significance (2). Last evaluated 2026-01-19.

Allele frequency attached by ClinVar (database versions not stated): ExAC 0.00013; gnomAD 0.00009; TOPMed 0.00013.
gnomAD v4.1: 221 of 1,608,366 alleles (0.014%); highest among the groups gnomAD compares: Non-Finnish European, 0.017%; no homozygotes.

Submissions (2):

Labcorp Genetics (formerly Invitae), Labcorp
Classification: Uncertain significance. Last evaluated: 2026-01-19. Review status: criteria provided, single submitter. Criteria: Invitae Variant Classification Sherloc (09022015). Collection method: clinical testing. Allele origin: germline.
Comment: This sequence change replaces arginine, which is basic and polar, with glutamine, which is neutral and polar, at codon 91 of the SPRY4 protein (p.Arg91Gln). This variant is present in population databases (rs762784800, gnomAD 0.02%). This variant has not been reported in the literature in individuals affected with SPRY4-related conditions. ClinVar contains an entry for this variant (Variation ID: 2407115). An algorithm developed to predict the effect of missense changes on protein structure and function (PolyPhen-2) suggests that this variant is likely to be tolerated. In summary, the available evidence is currently insufficient to determine the role of this variant in disease. Therefore, it has been classified as a Variant of Uncertain Significance.

Ambry Genetics
Classification: Uncertain significance. Last evaluated: 2024-10-04. Review status: criteria provided, single submitter. Criteria: Ambry Variant Classification Scheme 2023. Collection method: clinical testing. Allele origin: germline.